The following is an entry in ClinVar:

NM_145698.5(ACBD5):c.1138G>A (p.Gly380Arg)

Gene: ACBD5 (acyl-CoA binding domain containing 5; minus strand). Cytogenetic location: 10p12.1.
Variant type: single nucleotide variant.
Coding change: c.1138G>A on transcript NM_145698.5 (MANE Select); coding-DNA position 1138, G replaced by A.
Protein change: p.Gly380Arg; replaces glycine 380 with arginine.
Molecular consequence: missense variant.
Genome position (GRCh38, 1-based): chr10:27,210,880, C>T on the plus strand (G>A on the coding strand, the complement: ACBD5 is on the minus strand). VCF-style: chr10-27210880-C-T. GRCh37 (hg19) VCF-style: chr10-27499809-C-T.
Other names: c.1033G>A, p.Gly345Arg (NM_001042473.4, NM_001352577.2, NM_001352578.2 and 1 more transcripts); c.1132G>A, p.Gly378Arg (NM_001271512.3); c.811G>A, p.Gly271Arg (NM_001301251.2, NM_001301252.2, NM_001301253.2 and 2 more transcripts); c.607G>A, p.Gly203Arg (NM_001301254.2); c.1192G>A, p.Gly398Arg (NM_001352568.1); c.1171G>A, p.Gly391Arg (NM_001352569.1); c.1138G>A, p.Gly380Arg (NM_001352570.1); c.1165G>A, p.Gly389Arg (NM_001352571.1); and 10 more; short protein forms G282R, G387R, G391R, G398R, G312R, G380R, G389R, G203R.
Identifiers: ClinVar variation 857399 (VCV000857399.6), dbSNP rs201980004, ClinGen allele CA5450745.

ClinVar aggregate classification (germline): Uncertain significance (1 of 4 stars; one submission).

Allele frequency attached by ClinVar (database versions not stated): gnomAD 0.00005 and 0.00006; TOPMed 0.00010; ExAC 0.00012; gnomAD exomes 0.00013 and 0.00017; ESP Exome Variant Server 0.00023.
gnomAD v4.1: 263 of 1,614,074 alleles (0.016%); highest among the groups gnomAD compares: Middle Eastern, 0.049%; 1 homozygote.

Submission:

Labcorp Genetics (formerly Invitae), Labcorp
Classification: Uncertain significance. Last evaluated: 2025-05-18. Review status: criteria provided, single submitter. Criteria: Invitae Variant Classification Sherloc (09022015). Collection method: clinical testing. Allele origin: germline.
Comment: This sequence change replaces glycine, which is neutral and non-polar, with arginine, which is basic and polar, at codon 380 of the ACBD5 protein (p.Gly380Arg). This variant is present in population databases (rs201980004, gnomAD 0.04%). This variant has not been reported in the literature in individuals affected with ACBD5-related conditions. ClinVar contains an entry for this variant (Variation ID: 857399). Invitae Evidence Modeling of protein sequence and biophysical properties (such as structural, functional, and spatial information, amino acid conservation, physicochemical variation, residue mobility, and thermodynamic stability) indicates that this missense variant is not expected to disrupt ACBD5 protein function with a negative predictive value of 80%. In summary, the available evidence is currently insufficient to determine the role of this variant in disease. Therefore, it has been classified as a Variant of Uncertain Significance.